The following is an entry in ClinVar:

NM_023110.3(FGFR1):c.1285-2A>G

Gene: FGFR1 (fibroblast growth factor receptor 1; minus strand). Cytogenetic location: 8p11.23.
Variant type: single nucleotide variant.
Coding change: c.1285-2A>G on transcript NM_023110.3 (MANE Select); the canonical splice acceptor site of the intron before coding-DNA position 1285, A replaced by G.
Molecular consequence: splice acceptor variant.
Genome position (GRCh38, 1-based): chr8:38,418,375, T>C on the plus strand (A>G on the coding strand, the complement: FGFR1 is on the minus strand). VCF-style: chr8-38418375-T-C. GRCh37 (hg19) VCF-style: chr8-38275893-T-C.
Other names: c.1006-2A>G (NM_001354368.2); c.1012-2A>G (NM_001354370.2, NM_023106.3); c.1018-2A>G (NM_023105.3, NM_001174066.2); c.1279-2A>G (NM_001354367.2, NM_015850.4, NM_001174063.2 and 1 more transcripts); c.1255-2A>G (NM_001174064.2); c.1273-2A>G (NM_001354369.2, NM_001410922.1); c.1378-2A>G (NM_001174067.2).
Identifiers: ClinVar variation 2505385 (VCV002505385.1), dbSNP rs2150680264, ClinGen allele CA370733459.

ClinVar aggregate classification (germline): Pathogenic (1 of 4 stars; one submission).

Conditions:
Hypogonadotropic hypogonadism 2 with or without anosmia (HH2). Also called: FGFR1-Related GnRH Deficiency (Kallmann Syndrome 2); HYPOGONADOTROPIC HYPOGONADISM 2 WITHOUT ANOSMIA; HYPOGONADOTROPIC HYPOGONADISM 2 WITH OR WITHOUT ANOSMIA, SUSCEPTIBILITY TO; HYPOGONADOTROPIC HYPOGONADISM 2 WITHOUT ANOSMIA, SUSCEPTIBILITY TO. Identifiers: Orphanet 478, MedGen C1563720, MONDO:0007844, OMIM 147950. Disease mechanism: loss of function.

Submission:

Reproductive Endocrine Unit, Massachusetts General Hospital
Classification: Pathogenic for Hypogonadotropic hypogonadism 2 with or without anosmia. Last evaluated: 2023-05-04. Review status: criteria provided, single submitter. Criteria: ACMG Guidelines, 2015. Collection method: research. Allele origin: unknown. Affected: yes. Observed: 1 variant allele.
Comment: The variant NM_023110.2:c.1285-2A>G, has been classified as P1c based on the variant meeting the following ACMG Criteria: PVS1,PM2,PP3.